The following is an entry in ClinVar:

ClinVar aggregate classification (germline): Pathogenic. Review status: criteria provided, multiple submitters, no conflicts (2 of 4 stars). 2 submissions from 2 submitters: Pathogenic (2). Last evaluated 2024-05-08.

Conditions:
Nemaline myopathy 2 (NEM2). Also called: Nemaline myopathy 2, autosomal recessive. Identifiers: MedGen C1850569, MONDO:0009725, OMIM 256030.

Submissions (2):

Myriad Genetics, Inc.
Classification: Pathogenic for Nemaline myopathy 2. Last evaluated: 2024-05-08. Review status: criteria provided, single submitter. Criteria: Myriad Autosomal Dominant, Autosomal Recessive and X-Linked Classification Criteria (2023). Collection method: clinical testing. Allele origin: unknown.
Comment: NM_001271208.1(NEB):c.11533G>T(E3845*) is expected to be pathogenic in the context of NEB-related nemaline myopathy. This variant is predicted to lead to an abnormal or absent protein product due to the creation of a premature termination codon in NEB, a gene where loss-of-function variants are known to be pathogenic. Please note: this variant was assessed in the context of healthy population screening.

Labcorp Genetics (formerly Invitae), Labcorp
Classification: Pathogenic for Nemaline myopathy 2. Last evaluated: 2019-08-09. Review status: criteria provided, single submitter. Criteria: Invitae Variant Classification Sherloc (09022015). Collection method: clinical testing. Allele origin: germline.
Comment: For these reasons, this variant has been classified as Pathogenic. Loss-of-function variants in NEB are known to be pathogenic (PMID: 25205138). This variant has not been reported in the literature in individuals with NEB-related conditions. This variant is not present in population databases (ExAC no frequency). This sequence change creates a premature translational stop signal (p.Glu3845*) in the NEB gene. It is expected to result in an absent or disrupted protein product.

Literature cited by the submitters: PubMed 25205138 (cited by Labcorp Genetics (formerly Invitae), Labcorp).

NM_001164508.2(NEB):c.11533G>T (p.Glu3845Ter)

Gene: NEB (nebulin; minus strand). Cytogenetic location: 2q23.3.
Variant type: single nucleotide variant.
Coding change: c.11533G>T on transcript NM_001164508.2 (MANE Select); coding-DNA position 11533, G replaced by T.
Protein change: p.Glu3845Ter; replaces glutamic acid 3845 with a stop codon.
Molecular consequence: nonsense.
Genome position (GRCh38, 1-based): chr2:151,614,344, C>A on the plus strand (G>T on the coding strand, the complement: NEB is on the minus strand). VCF-style: chr2-151614344-C-A. GRCh37 (hg19) VCF-style: chr2-152470858-C-A.
Other names: c.11533G>T, p.Glu3845Ter (NM_001164507.2, NM_001271208.2); c.10804G>T, p.Glu3602Ter (NM_004543.5); short protein forms E3845*, E3602*.
Identifiers: ClinVar variation 939973 (VCV000939973.8), dbSNP rs755390933, ClinGen allele CA348781354.